The following is an entry in ClinVar:

NM_004329.3(BMPR1A):c.892G>T (p.Gly298Cys)

Gene: BMPR1A (bone morphogenetic protein receptor type 1A; plus strand). Cytogenetic location: 10q23.2.
Variant type: single nucleotide variant.
Coding change: c.892G>T on transcript NM_004329.3 (MANE Select); coding-DNA position 892, G replaced by T.
Protein change: p.Gly298Cys; replaces glycine 298 with cysteine.
Molecular consequence: missense variant. On other transcripts: non-coding transcript variant (3).
Genome position (GRCh38, 1-based): chr10:86,919,195, G>T. VCF-style: chr10-86919195-G-T. GRCh37 (hg19) VCF-style: chr10-88678952-G-T.
Other names: c.892G>T, p.Gly298Cys (NM_001406568.1, NM_001406569.1, NM_001406570.1 and 19 more transcripts); c.967G>T, p.Gly323Cys (NM_001406559.1); c.940G>T, p.Gly314Cys (NM_001406560.1); c.886G>T, p.Gly296Cys (NM_001406583.1); c.808G>T, p.Gly270Cys (NM_001406584.1, NM_001406585.1, NM_001406586.1 and 2 more transcripts); c.550G>T, p.Gly184Cys (NM_001406589.1); short protein forms G298C, G296C, G184C, G323C, G270C, G314C.
Identifiers: ClinVar variation 2866871 (VCV002866871.4), dbSNP rs1564724125, ClinGen allele CA377459893.

ClinVar aggregate classification (germline): Uncertain significance. Review status: criteria provided, multiple submitters, no conflicts (2 of 4 stars). 2 submissions from 2 submitters: Uncertain significance (2). Last evaluated 2023-05-22.

Conditions:
Juvenile polyposis syndrome (JPS). Identifiers: Orphanet 2929, MedGen C0345893, MONDO:0017380, OMIM 174900.

Submissions (2):

Labcorp Genetics (formerly Invitae), Labcorp
Classification: Uncertain significance for Juvenile polyposis syndrome. Last evaluated: 2023-05-22. Review status: criteria provided, single submitter. Criteria: Invitae Variant Classification Sherloc (09022015). Collection method: clinical testing. Allele origin: germline.
Comment: This sequence change replaces glycine, which is neutral and non-polar, with cysteine, which is neutral and slightly polar, at codon 298 of the BMPR1A protein (p.Gly298Cys). This variant is not present in population databases (gnomAD no frequency). This variant has not been reported in the literature in individuals affected with BMPR1A-related conditions. Advanced modeling of protein sequence and biophysical properties (such as structural, functional, and spatial information, amino acid conservation, physicochemical variation, residue mobility, and thermodynamic stability) has been performed at Invitae for this missense variant, however the output from this modeling did not meet the statistical confidence thresholds required to predict the impact of this variant on BMPR1A protein function. In summary, the available evidence is currently insufficient to determine the role of this variant in disease. Therefore, it has been classified as a Variant of Uncertain Significance.

All of Us Research Program, National Institutes of Health
Classification: Uncertain significance for Juvenile polyposis syndrome. Last evaluated: 2023-05-04. Review status: criteria provided, single submitter. Criteria: ACMG Guidelines, 2015. Collection method: clinical testing. Allele origin: germline. Inheritance: Autosomal dominant inheritance. Observed: 1 variant allele, 1 heterozygote.
Comment: This missense variant replaces glycine with cysteine at codon 298 of the BMPR1A protein. Computational prediction suggests that this variant may have deleterious impact on protein structure and function (internally defined REVEL score threshold >= 0.7, PMID: 27666373). To our knowledge, functional studies have not been reported for this variant. This variant has not been reported in individuals affected with BMPR1A-related disorders in the literature. This variant has not been identified in the general population by the Genome Aggregation Database (gnomAD). The available evidence is insufficient to determine the role of this variant in disease conclusively. Therefore, this variant is classified as a Variant of Uncertain Significance.

This study involves interpretation of variants in research participants for the purpose of population health screening. Participant phenotype was not available at the time of variant classification. Additional details can be found in publication PMID: 35346344, PMCID: PMC8962531